The following is an entry in ClinVar:

NM_013275.6(ANKRD11):c.5791_5792del (p.Leu1931fs)

Gene: ANKRD11 (ankyrin repeat domain containing 11; minus strand). Cytogenetic location: 16q24.3.
Variant type: Deletion.
Coding change: c.5791_5792del on transcript NM_013275.6 (MANE Select); coding-DNA positions 5791 to 5792, 2 bases deleted (CT; older notation c.5791_5792delCT).
Protein change: p.Leu1931fs; shifts the reading frame from leucine 1931.
Molecular consequence: frameshift variant.
Genome position (GRCh38, 1-based): chr16:89,280,750-89,280,751, AG deleted on the plus strand (CT on the coding strand, the reverse complement: ANKRD11 is on the minus strand). VCF-style (leftmost placement, unchanged base first): chr16-89280749-CAG-C. GRCh37 (hg19) VCF-style: chr16-89347157-CAG-C.
Other names: c.5791_5792del, p.Leu1931fs (NM_001256182.2, NM_001256183.2); short protein forms L1931fs.
Identifiers: ClinVar variation 3348589 (VCV003348589.1).
Genomic context (GRCh38, chr16:89,280,749, plus strand): 5'-GGCCCACTCAACGGGCTCCTCGGTGATGACGGCGCTGAAGGGACCCTCGTCCAGCGGCTC[CAG>C]GTAGCTGGGCTCCGGGGGGATGATGGCGGCCGTCGCCTGCTGGTCCTCGGAGGTGTCCAG-3'

ClinVar aggregate classification (germline): Likely pathogenic (0 of 4 stars; one submission).

Conditions:
ANKRD11-related disorder. Also called: ANKRD11-related condition.

Submission:

PreventionGenetics, part of Exact Sciences
Classification: Likely pathogenic for ANKRD11-related condition. Last evaluated: 2024-03-05. Review status: no assertion criteria provided. Collection method: clinical testing. Allele origin: germline.
Comment: The ANKRD11 c.5791_5792delCT variant is predicted to result in a frameshift and premature protein termination (p.Leu1931Glyfs*18). To our knowledge, this variant has not been reported in the literature or in a large population database, indicating this variant is rare. Frameshift variants in ANKRD11 are expected to be pathogenic. This variant is interpreted as likely pathogenic.